The following is an entry in ClinVar:

NM_018075.5(ANO10):c.1753C>A (p.Pro585Thr)

Gene: ANO10 (anoctamin 10; minus strand). Cytogenetic location: 3p22.1.
Variant type: single nucleotide variant.
Coding change: c.1753C>A on transcript NM_018075.5 (MANE Select); coding-DNA position 1753, C replaced by A.
Protein change: p.Pro585Thr; replaces proline 585 with threonine.
Molecular consequence: missense variant.
Genome position (GRCh38, 1-based): chr3:43,549,764, G>T on the plus strand (C>A on the coding strand, the complement: ANO10 is on the minus strand). VCF-style: chr3-43549764-G-T. GRCh37 (hg19) VCF-style: chr3-43591256-G-T.
Other names: c.1753C>A, p.Pro585Thr (NM_001204831.3, NM_001346465.2, NM_001346468.2); c.1555C>A, p.Pro519Thr (NM_001204832.3, NM_001346466.2, NM_001346469.2); c.1420C>A, p.Pro474Thr (NM_001204833.3); c.1183C>A, p.Pro395Thr (NM_001204834.3); c.1870C>A, p.Pro624Thr (NM_001346463.2, NM_001346464.2, NM_001346467.2); short protein forms P395T, P474T, P519T, P585T, P624T.
Identifiers: ClinVar variation 2684260 (VCV002684260.1), dbSNP rs1022215776, ClinGen allele CA74375326.

ClinVar aggregate classification (germline): Uncertain significance (1 of 4 stars; one submission).

Allele frequency attached by ClinVar (database versions not stated): TOPMed below 0.00001; gnomAD 0.00001.
gnomAD v4.1: 1 of 1,613,820 alleles (0.000062%); highest among the groups gnomAD compares: Admixed American, 0.0017%; no homozygotes.

Submission:

Athena Diagnostics
Classification: Uncertain significance. Last evaluated: 2023-01-11. Review status: criteria provided, single submitter. Criteria: Athena Diagnostics Criteria. Collection method: clinical testing. Allele origin: unknown.
Comment: Available data are insufficient to determine the clinical significance of the variant at this time. The frequency of this variant in the general population is uninformative in assessment of its pathogenicity. Computational tools disagree on the variant's effect on normal protein function.